The following is an entry in ClinVar:

ClinVar aggregate classification (germline): Pathogenic (1 of 4 stars; one submission).

Conditions:
Sandhoff disease. Also called: Beta-hexosaminidase-beta-subunit deficiency; GM2 gangliosidosis, type 2; Total hexosaminidase deficiency; Sandhoff-Jatzkewitz-Pilz disease; GM2-GANGLIOSIDOSIS, TYPE II; HEXOSAMINIDASES A AND B DEFICIENCY. Identifiers: Orphanet 796, MedGen C0036161, MONDO:0010006, OMIM 268800.

Submission:

Labcorp Genetics (formerly Invitae), Labcorp
Classification: Pathogenic for Sandhoff disease. Last evaluated: 2024-02-22. Review status: criteria provided, single submitter. Criteria: Invitae Variant Classification Sherloc (09022015). Collection method: clinical testing. Allele origin: germline.
Comment: This sequence change creates a premature translational stop signal (p.Glu191Profs*15) in the HEXB gene. It is expected to result in an absent or disrupted protein product. Loss-of-function variants in HEXB are known to be pathogenic (PMID: 7550345, 18758829). This variant is not present in population databases (gnomAD no frequency). This variant has not been reported in the literature in individuals affected with HEXB-related conditions. ClinVar contains an entry for this variant (Variation ID: 952216). For these reasons, this variant has been classified as Pathogenic.

Literature cited by the submitters: PubMed 7550345; PubMed 18758829.

NM_000521.4(HEXB):c.571_574del (p.Glu191fs)

Gene: HEXB (hexosaminidase subunit beta; plus strand). Cytogenetic location: 5q13.3.
Variant type: Deletion.
Coding change: c.571_574del on transcript NM_000521.4 (MANE Select); coding-DNA positions 571 to 574, 4 bases deleted (GAAT; older notation c.571_574delGAAT).
Protein change: p.Glu191fs; shifts the reading frame from glutamic acid 191.
Molecular consequence: frameshift variant. On other transcripts: 5 prime UTR variant (1).
Genome position (GRCh38, 1-based): chr5:74,697,008-74,697,011, GAAT deleted; deleting any 4 consecutive bases within chr5:74,697,005-74,697,011 gives the same sequence; the c. name uses the placement nearest the transcript's 3' end. VCF-style (leftmost placement, unchanged base first): chr5-74697004-CAATG-C. GRCh37 (hg19) VCF-style: chr5-73992829-CAATG-C.
Other names: c.-105_-102del (NM_001292004.2); short protein forms E191fs.
Identifiers: ClinVar variation 952216 (VCV000952216.3), dbSNP rs1749127843, ClinGen allele CA1077553118.